The following is an entry in ClinVar:

ClinVar aggregate classification (germline): Conflicting classifications of pathogenicity. Review status: criteria provided, conflicting classifications (1 of 4 stars). 3 submissions from 3 submitters: Uncertain significance (2); Likely benign (1). Last evaluated 2026-01-13.

Conditions:
Cardiomyopathy (CMYO). Also called: Cardiomyopathies. Identifiers: Orphanet 167848, MedGen C0878544, MONDO:0004994, HP:0001638. Inheritance: Various modes of inheritance.
3-Methylglutaconic aciduria type 2 (BTHS). Also called: CARDIOSKELETAL MYOPATHY WITH NEUTROPENIA AND ABNORMAL MITOCHONDRIA; Barth syndrome. Identifiers: Orphanet 111, MedGen C0574083, MONDO:0010543, OMIM 302060.

Allele frequency attached by ClinVar (database versions not stated): ExAC 0.00001; gnomAD 0.00003; gnomAD exomes 0.00003; TOPMed 0.00007.
gnomAD v4.1: 24 of 1,209,097 alleles (0.002%); highest among the groups gnomAD compares: Middle Eastern, 0.023%; no homozygotes.

Submissions (3):

Labcorp Genetics (formerly Invitae), Labcorp
Classification: Uncertain significance for 3-Methylglutaconic aciduria type 2. Last evaluated: 2026-01-13. Review status: criteria provided, single submitter. Criteria: Invitae Variant Classification Sherloc (09022015). Collection method: clinical testing. Allele origin: germline.
Comment: This sequence change replaces arginine, which is basic and polar, with glutamine, which is neutral and polar, at codon 253 of the TAZ protein (p.Arg253Gln). This variant is present in population databases (rs782653725, gnomAD 0.02%). This variant has not been reported in the literature in individuals affected with TAZ-related conditions. ClinVar contains an entry for this variant (Variation ID: 234467). An algorithm developed to predict the effect of missense changes on protein structure and function (PolyPhen-2) suggests that this variant is likely to be tolerated. In summary, the available evidence is currently insufficient to determine the role of this variant in disease. Therefore, it has been classified as a Variant of Uncertain Significance.

GeneDx
Classification: Likely benign. Last evaluated: 2019-11-22. Review status: criteria provided, single submitter. Criteria: GeneDx Variant Classification Process June 2021. Collection method: clinical testing. Allele origin: germline. Affected: yes.
Comment: This variant is associated with the following publications: (PMID: 31094706)

CHEO Genetics Diagnostic Laboratory, Children's Hospital of Eastern Ontario
Classification: Uncertain significance for Cardiomyopathy. Last evaluated: 2016-08-16. Review status: criteria provided, single submitter. Criteria: ACMG Guidelines, 2015. Collection method: clinical testing. Allele origin: germline. Study: Canadian Open Genetics Repository.

NM_000116.5(TAFAZZIN):c.758G>A (p.Arg253Gln)

Gene: TAFAZZIN (tafazzin, phospholipid-lysophospholipid transacylase; plus strand). Cytogenetic location: Xq28.
Variant type: single nucleotide variant.
Coding change: c.758G>A on transcript NM_000116.5 (MANE Select); coding-DNA position 758, G replaced by A.
Protein change: p.Arg253Gln; replaces arginine 253 with glutamine.
Molecular consequence: missense variant. On other transcripts: non-coding transcript variant (1).
Genome position (GRCh38, 1-based): chrX:154,420,716, G>A. VCF-style: chrX-154420716-G-A. GRCh37 (hg19) VCF-style: chrX-153649055-G-A.
Other names: c.770G>A, p.Arg257Gln (NM_001303465.2); c.668G>A, p.Arg223Gln (NM_181311.4); c.716G>A, p.Arg239Gln (NM_181312.4); c.626G>A, p.Arg209Gln (NM_181313.4); short protein forms R253Q, R209Q, R257Q, R223Q, R239Q.
Identifiers: ClinVar variation 234467 (VCV000234467.9), dbSNP rs782653725, ClinGen allele CA10562431.